The following is an entry in ClinVar:

NM_001242957.3(MAK):c.199G>T (p.Glu67Ter)

Gene: MAK (male germ cell associated kinase; minus strand). Cytogenetic location: 6p24.2.
Variant type: single nucleotide variant.
Coding change: c.199G>T on transcript NM_001242957.3 (MANE Select); coding-DNA position 199, G replaced by T.
Protein change: p.Glu67Ter; replaces glutamic acid 67 with a stop codon.
Molecular consequence: nonsense. On other transcripts: non-coding transcript variant (2).
Genome position (GRCh38, 1-based): chr6:10,817,929, C>A on the plus strand (G>T on the coding strand, the complement: MAK is on the minus strand). VCF-style: chr6-10817929-C-A. GRCh37 (hg19) VCF-style: chr6-10818162-C-A.
Other names: c.199G>T, p.Glu67Ter (NM_001242385.2, NM_005906.6); c.97G>T, p.Glu33Ter (NM_001377262.1); short protein forms E33*, E67*.
Identifiers: ClinVar variation 4710736 (VCV004710736.1).
Genomic context (GRCh38, chr6:10,817,929, plus strand): 5'-AGAGGTTTTCTTTCATATATTCAAATATAAAATAAAGATGGTCATTTTCTCTGATAACTT[C>A]TTTCAATTTAATAACATTGGCATGATTAAGTTTCTTCAGAGACTGAAAAATAACAAATAT-3'

ClinVar aggregate classification (germline): Pathogenic (1 of 4 stars; one submission).

gnomAD v4.1: 1 of 1,420,016 alleles (0.00007%); highest among the groups gnomAD compares: Non-Finnish European, 0.000098%; no homozygotes.

Submission:

Labcorp Genetics (formerly Invitae), Labcorp
Classification: Pathogenic. Last evaluated: 2025-11-12. Review status: criteria provided, single submitter. Criteria: Invitae Variant Classification Sherloc (09022015). Collection method: clinical testing. Allele origin: germline.
Comment: This sequence change creates a premature translational stop signal (p.Glu67*) in the MAK gene. It is expected to result in an absent or disrupted protein product. Loss-of-function variants in MAK are known to be pathogenic (PMID: 21148103, 21825139, 24938718, 29781741). This variant is present in population databases (no rsID available, gnomAD 0.001%). This variant has not been reported in the literature in individuals affected with MAK-related conditions. Algorithms developed to predict the effect of sequence changes on RNA splicing suggest that this variant may disrupt the consensus splice site. For these reasons, this variant has been classified as Pathogenic.

Literature cited by the submitters: PubMed 21148103; PubMed 21825139; PubMed 24938718; PubMed 29781741.